The following is an entry in ClinVar:

NM_012062.5(DNM1L):c.2154+5T>C

Gene: DNM1L (dynamin 1 like; plus strand). Cytogenetic location: 12p11.21.
Variant type: single nucleotide variant.
Coding change: c.2154+5T>C on transcript NM_012062.5 (MANE Select); 5 bases into the intron after coding-DNA position 2154, T replaced by C.
Molecular consequence: intron variant.
Genome position (GRCh38, 1-based): chr12:32,742,753, T>C. VCF-style: chr12-32742753-T-C. GRCh37 (hg19) VCF-style: chr12-32895687-T-C.
Other names: c.2193+5T>C (NM_001278464.2); c.2160+5T>C (NM_001278465.2); c.2082+5T>C (NM_001330380.2); c.1545+5T>C (NM_001278466.2); c.2121+5T>C (NM_001278463.2); c.2076+5T>C (NM_012063.4); c.2043+5T>C (NM_005690.5).
Identifiers: ClinVar variation 4798053 (VCV004798053.1).

ClinVar aggregate classification (germline): Uncertain significance (1 of 4 stars; one submission).

Submission:

Labcorp Genetics (formerly Invitae), Labcorp
Classification: Uncertain significance. Last evaluated: 2025-03-19. Review status: criteria provided, single submitter. Criteria: Invitae Variant Classification Sherloc (09022015). Collection method: clinical testing. Allele origin: germline.
Comment: This sequence change falls in intron 19 of the DNM1L gene. It does not directly change the encoded amino acid sequence of the DNM1L protein. It affects a nucleotide within the consensus splice site. This variant is not present in population databases (gnomAD no frequency). This variant has not been reported in the literature in individuals affected with DNM1L-related conditions. Variants that disrupt the consensus splice site are a relatively common cause of aberrant splicing (PMID: 17576681, 9536098). Algorithms developed to predict the effect of sequence changes on RNA splicing suggest that this variant is not likely to affect RNA splicing. In summary, the available evidence is currently insufficient to determine the role of this variant in disease. Therefore, it has been classified as a Variant of Uncertain Significance.

Literature cited by the submitters: PubMed 17576681; PubMed 9536098.